The following is an entry in ClinVar:

NM_003183.6(ADAM17):c.714C>A (p.Tyr238Ter)

Gene: ADAM17 (ADAM metallopeptidase domain 17; minus strand). Cytogenetic location: 2p25.1.
Variant type: single nucleotide variant.
Coding change: c.714C>A on transcript NM_003183.6 (MANE Select); coding-DNA position 714, C replaced by A.
Protein change: p.Tyr238Ter; replaces tyrosine 238 with a stop codon.
Molecular consequence: nonsense. On other transcripts: 5 prime UTR variant (1).
Genome position (GRCh38, 1-based): chr2:9,526,150, G>T on the plus strand (C>A on the coding strand, the complement: ADAM17 is on the minus strand). VCF-style: chr2-9526150-G-T. GRCh37 (hg19) VCF-style: chr2-9666279-G-T.
Other names: c.54C>A, p.Tyr18Ter (NM_001382777.1); c.-189C>A (NM_001382778.1); short protein forms Y18*, Y238*.
Identifiers: ClinVar variation 4766309 (VCV004766309.1).

ClinVar aggregate classification (germline): Pathogenic (1 of 4 stars; one submission).

Conditions:
Inflammatory skin and bowel disease, neonatal, 1. Identifiers: Orphanet 294023, MedGen C3280501, MONDO:0013693, OMIM 614328.

gnomAD v4.1: 7 of 1,613,540 alleles (0.00043%); highest among the groups gnomAD compares: Non-Finnish European, 0.00059%; no homozygotes.

Submission:

Labcorp Genetics (formerly Invitae), Labcorp
Classification: Pathogenic for Inflammatory skin and bowel disease, neonatal, 1. Last evaluated: 2025-02-03. Review status: criteria provided, single submitter. Criteria: Invitae Variant Classification Sherloc (09022015). Collection method: clinical testing. Allele origin: germline.
Comment: This sequence change creates a premature translational stop signal (p.Tyr238*) in the ADAM17 gene. It is expected to result in an absent or disrupted protein product. Loss-of-function variants in ADAM17 are known to be pathogenic (PMID: 22010916, 25804906). This variant is not present in population databases (gnomAD no frequency). This variant has not been reported in the literature in individuals affected with ADAM17-related conditions. For these reasons, this variant has been classified as Pathogenic.

Literature cited by the submitters: PubMed 22010916; PubMed 25804906.